The following is an entry in ClinVar:

NM_003384.3(VRK1):c.829A>T (p.Arg277Ter)

Gene: VRK1 (VRK serine/threonine kinase 1; plus strand). Cytogenetic location: 14q32.2.
Variant type: single nucleotide variant.
Coding change: c.829A>T on transcript NM_003384.3 (MANE Select); coding-DNA position 829, A replaced by T.
Protein change: p.Arg277Ter; replaces arginine 277 with a stop codon.
Molecular consequence: nonsense.
Genome position (GRCh38, 1-based): chr14:96,856,249, A>T. VCF-style: chr14-96856249-A-T. GRCh37 (hg19) VCF-style: chr14-97322586-A-T.
Other names: c.829A>T, p.Arg277Ter (NM_001411051.1, NM_001411053.1); short protein forms R277*.
Identifiers: ClinVar variation 5010475 (VCV005010475.1).

ClinVar aggregate classification (germline): Pathogenic (1 of 4 stars; one submission).

Conditions:
Pontocerebellar hypoplasia type 1A (PCH1A). Also called: PONTOCEREBELLAR HYPOPLASIA WITH ANTERIOR HORN CELL DISEASE; PONTOCEREBELLAR HYPOPLASIA WITH INFANTILE SPINAL MUSCULAR ATROPHY. Identifiers: Orphanet 2254, Orphanet 88616, MedGen C1843504, MONDO:0011866, OMIM 607596.

Submission:

Myriad Genetics, Inc.
Classification: Pathogenic for Pontocerebellar hypoplasia type 1A. Last evaluated: 2024-10-12. Review status: criteria provided, single submitter. Criteria: Myriad Autosomal Dominant, Autosomal Recessive and X-Linked Classification Criteria (2023). Collection method: clinical testing. Allele origin: unknown.
Comment: NM_003384.2(VRK1):c.829A>T(R277*) is expected to be pathogenic in the context of pontocerebellar hypoplasia, VRK1-related. This variant is predicted to lead to an abnormal or absent protein product due to the creation of a premature termination codon in VRK1, a gene where loss-of-function variants are known to be pathogenic. Please note: this variant was assessed in the context of healthy population screening.